The following is an entry in ClinVar:

ClinVar aggregate classification (germline): Uncertain significance (1 of 4 stars; one submission).

gnomAD v4.1: 15 of 1,610,768 alleles (0.00093%); highest among the groups gnomAD compares: East Asian, 0.034%; no homozygotes.

Submission:

Labcorp Genetics (formerly Invitae), Labcorp
Classification: Uncertain significance. Last evaluated: 2023-01-28. Review status: criteria provided, single submitter. Criteria: Invitae Variant Classification Sherloc (09022015). Collection method: clinical testing. Allele origin: germline.
Comment: This sequence change replaces isoleucine, which is neutral and non-polar, with leucine, which is neutral and non-polar, at codon 424 of the SUCO protein (p.Ile424Leu). This variant is not present in population databases (gnomAD no frequency). This variant has not been reported in the literature in individuals affected with SUCO-related conditions. Algorithms developed to predict the effect of missense changes on protein structure and function are either unavailable or do not agree on the potential impact of this missense change (SIFT: "Tolerated"; PolyPhen-2: "Probably Damaging"; Align-GVGD: "Class C0"). In summary, the available evidence is currently insufficient to determine the role of this variant in disease. Therefore, it has been classified as a Variant of Uncertain Significance.

NM_014283.5(SUCO):c.1270A>C (p.Ile424Leu)

Gene: SUCO (SUN domain containing ossification factor; plus strand). Cytogenetic location: 1q24.3.
Variant type: single nucleotide variant.
Coding change: c.1270A>C on transcript NM_014283.5 (MANE Select); coding-DNA position 1270, A replaced by C.
Protein change: p.Ile424Leu; replaces isoleucine 424 with leucine.
Molecular consequence: missense variant. On other transcripts: 5 prime UTR variant (1), intron variant (1).
Genome position (GRCh38, 1-based): chr1:172,577,545, A>C. VCF-style: chr1-172577545-A-C. GRCh37 (hg19) VCF-style: chr1-172546685-A-C.
Other names: c.1159A>C, p.Ile387Leu (NM_001282750.2); c.-260A>C (NM_001282751.2); c.1738-219A>C (NM_016227.4); short protein forms I387L, I424L.
Identifiers: ClinVar variation 2850726 (VCV002850726.3), dbSNP rs1362755484, ClinGen allele CA343739054.